The following is an entry in ClinVar:

NM_000092.5(COL4A4):c.1987G>A (p.Gly663Ser)

Gene: COL4A4 (collagen type IV alpha 4 chain; minus strand). Cytogenetic location: 2q36.3.
Variant type: single nucleotide variant.
Coding change: c.1987G>A on transcript NM_000092.5 (MANE Select); coding-DNA position 1987, G replaced by A.
Protein change: p.Gly663Ser; replaces glycine 663 with serine.
Molecular consequence: missense variant.
Genome position (GRCh38, 1-based): chr2:227,077,894, C>T on the plus strand (G>A on the coding strand, the complement: COL4A4 is on the minus strand). VCF-style: chr2-227077894-C-T. GRCh37 (hg19) VCF-style: chr2-227942610-C-T.
Other names: short protein forms G663S.
Identifiers: ClinVar variation 3237186 (VCV003237186.2), dbSNP rs2474714315.

ClinVar aggregate classification (germline): Conflicting classifications of pathogenicity. Review status: criteria provided, conflicting classifications (1 of 4 stars). 2 submissions from 2 submitters: Pathogenic (1); Uncertain significance (1). Last evaluated 2024-01-06.

Conditions:
Autosomal recessive Alport syndrome (ATS2). Also called: COL4A4 Alport Syndrome and Thin Basement Membrane Nephropathy; ALPORT SYNDROME 2, AUTOSOMAL RECESSIVE; Alport syndrome type 2; COL4A3-Related Nephropathy. Identifiers: Orphanet 63, Orphanet 88919, MedGen C4746745, MONDO:0008762, OMIM 203780.
Hematuria, benign familial, 1 (BFH1). Also called: THIN MEMBRANE NEPHROPATHY. Identifiers: MedGen CN376803, MONDO:0007709, OMIM 141200.

Submissions (2):

Fulgent Genetics
Classification: Uncertain significance for Hematuria, benign familial, 1; Autosomal recessive Alport syndrome. Last evaluated: 2024-01-06. Review status: criteria provided, single submitter. Criteria: ACMG Guidelines, 2015. Collection method: clinical testing. Allele origin: germline.

HUSP Clinical Genetics Laboratory, Hospital Universitario San Pedro De Logroño (HUSP)
Classification: Pathogenic for Autosomal recessive Alport syndrome. Review status: criteria provided, single submitter. Criteria: ACMG Guidelines, 2015. Collection method: clinical testing. Allele origin: unknown. Inheritance: Autosomal recessive inheritance. Affected: yes. Observed: 1 variant allele.
Comment: The variant affects to the last nucleotide of exon 25, changing the conventional splicing process. This variant is not detected in general population and has not been reported in pathogenic data bases. Pathogenic variants in COL4A4 have been associated with Alport syndrome autosomal recessive (OMIM: 203780). This clinical entity is characterized by hereditary disorder of the basement membrane, resulting in a glomerulonephropathy causing renal failure. Progressive deafness and ocular anomalies may also occur. Although the inheritance pattern is autosomal recessive, cases with non-severe symptoms have been described in which only one heterozygous variant has been detected.